The following is an entry in ClinVar:

NM_000350.3(ABCA4):c.1938-227G>A

Gene: ABCA4 (ATP binding cassette subfamily A member 4; minus strand). Cytogenetic location: 1p22.1.
Variant type: single nucleotide variant.
Coding change: c.1938-227G>A on transcript NM_000350.3 (MANE Select); 227 bases into the intron before coding-DNA position 1938, G replaced by A.
Molecular consequence: intron variant.
Genome position (GRCh38, 1-based): chr1:94,060,986, C>T on the plus strand (G>A on the coding strand, the complement: ABCA4 is on the minus strand). VCF-style: chr1-94060986-C-T. GRCh37 (hg19) VCF-style: chr1-94526542-C-T.
Identifiers: ClinVar variation 679517 (VCV000679517.1), dbSNP rs75396612, ClinGen allele CA26846831.
Genomic context (GRCh38, chr1:94,060,986, plus strand): 5'-CATGTTAGCCCTGAAGCATTATTTTTTGTTTATAGCAGAGTGCTGGCTTTCTGGTTAGCC[C>T]GGGTGAATGCTCTGCAAGTAAAATGTGTCAATAAAATTATATCCTCTATGTCAAAGATCT-3'

ClinVar aggregate classification (germline): Likely benign (1 of 4 stars; one submission).

Allele frequency attached by ClinVar (database versions not stated): gnomAD 0.00816 and 0.00855; TOPMed 0.00884; 1000 Genomes Project 0.01318; 1000 Genomes Project 30x 0.01452.
gnomAD v4.1: 1,236 of 152,236 alleles (0.81%); highest among the groups gnomAD compares: African/African-American, 2.8%; 12 homozygotes.

Submission:

GeneDx
Classification: Likely benign. Last evaluated: 2018-06-19. Review status: criteria provided, single submitter. Criteria: GeneDx Variant Classification (06012015). Collection method: clinical testing. Allele origin: germline. Affected: yes.
Comment: This variant is considered likely benign or benign based on one or more of the following criteria: it is a conservative change, it occurs at a poorly conserved position in the protein, it is predicted to be benign by multiple in silico algorithms, and/or has population frequency not consistent with disease.